The following is an entry in ClinVar:

NM_007294.4(BRCA1):c.135-15C>G

Gene: BRCA1 (BRCA1 DNA repair associated; minus strand). Cytogenetic location: 17q21.31.
Variant type: single nucleotide variant.
Coding change: c.135-15C>G on transcript NM_007294.4 (MANE Select); 15 bases into the intron before coding-DNA position 135, C replaced by G.
Molecular consequence: intron variant.
Genome position (GRCh38, 1-based): chr17:43,106,548, G>C on the plus strand (C>G on the coding strand, the complement: BRCA1 is on the minus strand). VCF-style: chr17-43106548-G-C. GRCh37 (hg19) VCF-style: chr17-41258565-G-C.
Other names: IVS4-15C>G; c.135-1592C>G (NM_001408409.1, NM_001407663.1, NM_001407658.1 and 21 more transcripts); c.-54-15C>G (NM_001407958.1, NM_001407955.1, NM_001408493.1 and 58 more transcripts); c.135-15C>G (NM_001407646.1, NM_001408445.1, NM_001408432.1 and 167 more transcripts); c.-169-1592C>G (NM_001407965.1, NM_001407959.1, NM_001407962.1 and 4 more transcripts); c.-7-15C>G (NM_001407930.1, NM_001407843.1, NM_001408456.1 and 99 more transcripts); c.-218-11688C>G (NM_001407967.1, NM_001407966.1); c.81-1592C>G (NM_001408451.1).
Identifiers: ClinVar variation 37403 (VCV000037403.14), dbSNP rs397507185, ClinGen allele CA000891.

ClinVar aggregate classification (germline): Likely benign. Review status: criteria provided, multiple submitters, no conflicts (2 of 4 stars). 5 submissions from 5 submitters: Likely benign (4). 1 of the submissions does not count toward it. Last evaluated 2025-11-03.

Conditions:
Hereditary breast ovarian cancer syndrome. Also called: Hereditary breast and ovarian cancer syndrome (HBOC); Hereditary breast and ovarian cancer syndrome; Hereditary breast and ovarian cancer; Hereditary breast and/or ovarian cancer syndrome; Breast and ovarian cancer; BRCA1- and BRCA2-Associated Hereditary Breast and Ovarian Cancer. Identifiers: Orphanet 145, MedGen C0677776, MeSH D061325, MONDO:0003582. Disease mechanism: loss of function.
Breast-ovarian cancer, familial, susceptibility to, 1 (BROVCA1). Also called: OVARIAN CANCER, SUSCEPTIBILITY TO; BRCA1 Hereditary Breast and Ovarian Cancer. Identifiers: Orphanet 145, MedGen C2676676, MONDO:0011450, OMIM 604370. Disease mechanism: loss of function.

Submissions (5):

Labcorp Genetics (formerly Invitae), Labcorp
Classification: Likely benign for Hereditary breast ovarian cancer syndrome. Last evaluated: 2025-11-03. Review status: criteria provided, single submitter. Criteria: Invitae Variant Classification Sherloc (09022015). Collection method: clinical testing. Allele origin: germline.

All of Us Research Program, National Institutes of Health
Classification: Likely benign for Breast-ovarian cancer, familial, susceptibility to, 1. Last evaluated: 2023-07-19. Review status: criteria provided, single submitter. Criteria: ACMG Guidelines, 2015. Collection method: clinical testing. Allele origin: germline. Inheritance: Autosomal dominant inheritance. Observed: 1 variant allele, 1 heterozygote.
Comment: This study involves interpretation of variants in research participants for the purpose of population health screening. Participant phenotype was not available at the time of variant classification. Additional details can be found in publication PMID: 35346344, PMCID: PMC8962531

Myriad Genetics, Inc.
Classification: Likely benign for Breast-ovarian cancer, familial, susceptibility to, 1. Last evaluated: 2023-06-09. Review status: criteria provided, single submitter. Criteria: Myriad Autosomal Dominant, Autosomal Recessive and X-Linked Classification Criteria (2023). Collection method: clinical testing. Allele origin: unknown.
Comment: This variant is considered likely benign. This variant is strongly associated with less severe personal and family histories of cancer, typical for individuals without pathogenic variants in this gene [PMID: 25085752].

GeneDx
Classification: Likely benign. Last evaluated: 2017-03-30. Review status: criteria provided, single submitter. Criteria: GeneDx Variant Classification (06012015). Collection method: clinical testing. Allele origin: germline. Affected: yes.
Comment: This variant is considered likely benign or benign based on one or more of the following criteria: it is a conservative change, it occurs at a poorly conserved position in the protein, it is predicted to be benign by multiple in silico algorithms, and/or has population frequency not consistent with disease.

Sharing Clinical Reports Project (SCRP)
Classification: Uncertain significance for Breast-ovarian cancer, familial 1. Last evaluated: 2009-02-05. Review status: no assertion criteria provided. Collection method: clinical testing. Allele origin: germline. Not counted in ClinVar's aggregate classification.

Literature cited by the submitters: PubMed 25085752 (cited by Myriad Genetics, Inc.).